The following is an entry in ClinVar:

NM_017802.4(DNAAF5):c.426C>T (p.Arg142=)

Genes: DNAAF5 (dynein axonemal assembly factor 5; plus strand), PRKAR1B (protein kinase cAMP-dependent type I regulatory subunit beta; minus strand). Cytogenetic location: 7p22.3.
Variant type: single nucleotide variant.
Coding change: c.426C>T on transcript NM_017802.4 (MANE Select); coding-DNA position 426, C replaced by T.
Protein change: p.Arg142=; no amino-acid change (arginine 142 retained).
Molecular consequence: synonymous variant. On other transcripts: non-coding transcript variant (1), intron variant (3).
Genome position (GRCh38, 1-based): chr7:727,146, C>T. VCF-style: chr7-727146-C-T. GRCh37 (hg19) VCF-style: chr7-766783-C-T.
Other names: c.-23+509G>A (NM_001164759.1); c.-23+444G>A (NM_001164758.2); c.-23+64G>A (NM_001164760.2).
Identifiers: ClinVar variation 700233 (VCV000700233.19), dbSNP rs1464201003, ClinGen allele CA453616794.

ClinVar aggregate classification (germline): Likely benign. Review status: criteria provided, multiple submitters, no conflicts (2 of 4 stars). 3 submissions from 3 submitters: Likely benign (3). Last evaluated 2025-10-01.

Conditions:
Primary ciliary dyskinesia. Also called: Ciliary dyskinesia. Identifiers: Orphanet 244, MedGen C0008780, MONDO:0016575, HP:0012265.

Allele frequency attached by ClinVar (database versions not stated): gnomAD exomes 0.00001; gnomAD 0.00002; TOPMed 0.00007.
gnomAD v4.1: 34 of 1,257,258 alleles (0.0027%); highest among the groups gnomAD compares: East Asian, 0.018%; no homozygotes.

Submissions (3):

CeGaT Center for Human Genetics Tuebingen
Classification: Likely benign. Last evaluated: 2025-10-01. Review status: criteria provided, single submitter. Criteria: CeGaT Center For Human Genetics Tuebingen Variant Classification Criteria Version 2. Collection method: clinical testing. Allele origin: germline. Affected: yes. Observed: 1 variant allele.
Comment: DNAAF5: BP4, BP7

Labcorp Genetics (formerly Invitae), Labcorp
Classification: Likely benign for Primary ciliary dyskinesia. Last evaluated: 2024-12-31. Review status: criteria provided, single submitter. Criteria: Invitae Variant Classification Sherloc (09022015). Collection method: clinical testing. Allele origin: germline.

Ambry Genetics
Classification: Likely benign for Primary ciliary dyskinesia. Last evaluated: 2023-05-14. Review status: criteria provided, single submitter. Criteria: Ambry Variant Classification Scheme 2023. Collection method: clinical testing. Allele origin: germline.